The following is an entry in ClinVar:

ClinVar aggregate classification (germline): Uncertain significance (1 of 4 stars; one submission).

Conditions:
Frontotemporal dementia and/or amyotrophic lateral sclerosis 1 (FTDALS1). Also called: C9orf72 Frontotemporal Dementia and/or Amyotrophic Lateral Sclerosis; Frontotemporal dementia with motor neuron disease 1. Identifiers: Orphanet 275872, MedGen C5779877, MONDO:0007105, OMIM 105550.
Paget disease of bone 2, early-onset (PDB2). Also called: Paget disease of bone 2. Identifiers: MedGen C4085251, MONDO:0011183, OMIM 602080.

Submission:

Labcorp Genetics (formerly Invitae), Labcorp
Classification: Uncertain significance for Paget disease of bone 2, early-onset; Frontotemporal dementia and/or amyotrophic lateral sclerosis 1. Last evaluated: 2025-05-23. Review status: criteria provided, single submitter. Criteria: Invitae Variant Classification Sherloc (09022015). Collection method: clinical testing. Allele origin: germline.
Comment: This sequence change replaces valine, which is neutral and non-polar, with alanine, which is neutral and non-polar, at codon 122 of the SQSTM1 protein (p.Val122Ala). This variant is not present in population databases (gnomAD no frequency). This variant has not been reported in the literature in individuals affected with SQSTM1-related conditions. Invitae Evidence Modeling of protein sequence and biophysical properties (such as structural, functional, and spatial information, amino acid conservation, physicochemical variation, residue mobility, and thermodynamic stability) has been performed for this missense variant. However, the output from this modeling did not meet the statistical confidence thresholds required to predict the impact of this variant on SQSTM1 protein function. In summary, the available evidence is currently insufficient to determine the role of this variant in disease. Therefore, it has been classified as a Variant of Uncertain Significance.

NM_003900.5(SQSTM1):c.365T>C (p.Val122Ala)

Gene: SQSTM1 (sequestosome 1; plus strand). Cytogenetic location: 5q35.3.
Variant type: single nucleotide variant.
Coding change: c.365T>C on transcript NM_003900.5 (MANE Select); coding-DNA position 365, T replaced by C.
Protein change: p.Val122Ala; replaces valine 122 with alanine.
Molecular consequence: missense variant.
Genome position (GRCh38, 1-based): chr5:179,823,921, T>C. VCF-style: chr5-179823921-T-C. GRCh37 (hg19) VCF-style: chr5-179250921-T-C.
Other names: c.113T>C, p.Val38Ala (NM_001142298.2, NM_001142299.2); short protein forms V122A, V38A.
Identifiers: ClinVar variation 4782934 (VCV004782934.1).